The following is an entry in ClinVar:

ClinVar aggregate classification (germline): Uncertain significance (1 of 4 stars; one submission).

Conditions:
CLPTM1-related disorder. Also called: CLPTM1-related condition.

Submission:

PreventionGenetics, part of Exact Sciences
Classification: Uncertain significance for CLPTM1-related condition. Last evaluated: 2026-04-06. Review status: criteria provided, single submitter. Criteria: ACMG Guidelines, 2015. Collection method: clinical testing. Allele origin: germline.
Comment: The CLPTM1 c.1955C>T variant is predicted to result in the amino acid substitution p.Ala652Val. To our knowledge, this variant has not been reported in the literature. This variant is reported in 0.0065% of alleles in individuals of European (Non-Finnish) descent in gnomAD. At this time, the clinical significance of this variant is uncertain due to the absence of conclusive functional and genetic evidence.

NM_001294.4(CLPTM1):c.1955C>T (p.Ala652Val)

Gene: CLPTM1 (CLPTM1 regulator of GABA type A receptor forward trafficking; plus strand). Cytogenetic location: 19q13.32.
Variant type: single nucleotide variant.
Coding change: c.1955C>T on transcript NM_001294.4 (MANE Select); coding-DNA position 1955, C replaced by T.
Protein change: p.Ala652Val; replaces alanine 652 with valine.
Molecular consequence: missense variant.
Genome position (GRCh38, 1-based): chr19:44,992,842, C>T. VCF-style: chr19-44992842-C-T. GRCh37 (hg19) VCF-style: chr19-45496100-C-T.
Other names: c.1913C>T, p.Ala638Val (NM_001282175.2); c.1649C>T, p.Ala550Val (NM_001282176.2); short protein forms A652V, A550V, A638V.
Identifiers: ClinVar variation 4981466 (VCV004981466.1).
Genomic context (GRCh38, chr19:44,992,842, plus strand): 5'-CCACCAGGGAGGAGGCCTCCACGTCCCTGCCCACCAAGCCCACCCAGGGGGCCAGCTCTG[C>T]CAGCGAGCCCCAGGAAGCCCCTCCAAAGCCAGCAGAGGACAAGAAAAAGGATTAGTCGAG-3'
Protein context (NP_001285.1, residues 642-662): PTKPTQGASS[Ala652Val]SEPQEAPPKP